The following is an entry in ClinVar:

ClinVar aggregate classification (germline): Uncertain significance (1 of 4 stars; one submission).

Submission:

Labcorp Genetics (formerly Invitae), Labcorp
Classification: Uncertain significance. Last evaluated: 2022-02-12. Review status: criteria provided, single submitter. Criteria: Invitae Variant Classification Sherloc (09022015). Collection method: clinical testing. Allele origin: germline.
Comment: In summary, the available evidence is currently insufficient to determine the role of this variant in disease. Therefore, it has been classified as a Variant of Uncertain Significance. Algorithms developed to predict the effect of missense changes on protein structure and function (SIFT, PolyPhen-2, Align-GVGD) all suggest that this variant is likely to be tolerated. This variant has not been reported in the literature in individuals affected with PPA2-related conditions. This variant is not present in population databases (gnomAD no frequency). This sequence change replaces lysine, which is basic and polar, with asparagine, which is neutral and polar, at codon 320 of the PPA2 protein (p.Lys320Asn).

NM_176869.3(PPA2):c.960A>T (p.Lys320Asn)

Gene: PPA2 (inorganic pyrophosphatase 2; minus strand). Cytogenetic location: 4q24.
Variant type: single nucleotide variant.
Coding change: c.960A>T on transcript NM_176869.3 (MANE Select); coding-DNA position 960, A replaced by T.
Protein change: p.Lys320Asn; replaces lysine 320 with asparagine.
Molecular consequence: missense variant.
Genome position (GRCh38, 1-based): chr4:105,370,853, T>A on the plus strand (A>T on the coding strand, the complement: PPA2 is on the minus strand). VCF-style: chr4-105370853-T-A. GRCh37 (hg19) VCF-style: chr4-106292010-T-A.
Other names: c.873A>T, p.Lys291Asn (NM_006903.4); c.654A>T, p.Lys218Asn (NM_176866.2); c.462A>T, p.Lys154Asn (NM_176867.3); short protein forms K291N, K154N, K218N, K320N.
Identifiers: ClinVar variation 2097047 (VCV002097047.4), dbSNP rs2476867023, ClinGen allele CA357787518.
Genomic context (GRCh38, chr4:105,370,853, plus strand): 5'-TAAATTTATACATGTTACTCTTAATGAATCAAAATATACTATACCTTCTTCATTACTTTC[T>A]TTATTTGGTGAAGATGATACCTGGAAATAAAAACAGAGAAAGAATCTCTGTTACAATAAA-3'
Protein context (NP_789845.1, residues 310-330): LVESVSSSPN[Lys320Asn]ESNEEEQVWH